The following is an entry in ClinVar:

ClinVar aggregate classification (germline): Uncertain significance (1 of 4 stars; one submission).

gnomAD v4.1: 1 of 1,449,756 alleles (0.000069%); highest among the groups gnomAD compares: East Asian, 0.0028%; no homozygotes.

Submission:

GeneDx
Classification: Uncertain significance. Last evaluated: 2025-03-20. Review status: criteria provided, single submitter. Criteria: GeneDx Variant Classification Process June 2021. Collection method: clinical testing. Allele origin: germline. Affected: yes.
Comment: Not observed at significant frequency in large population cohorts (gnomAD); In silico analysis indicates that this missense variant does not alter protein structure/function; Has not been previously published as pathogenic or benign to our knowledge

NM_003185.4(TAF4):c.1351C>A (p.Leu451Met)

Gene: TAF4 (TATA-box binding protein associated factor 4; minus strand). Cytogenetic location: 20q13.33.
Variant type: single nucleotide variant.
Coding change: c.1351C>A on transcript NM_003185.4 (MANE Select); coding-DNA position 1351, C replaced by A.
Protein change: p.Leu451Met; replaces leucine 451 with methionine.
Molecular consequence: missense variant.
Genome position (GRCh38, 1-based): chr20:62,064,460, G>T on the plus strand (C>A on the coding strand, the complement: TAF4 is on the minus strand). VCF-style: chr20-62064460-G-T. GRCh37 (hg19) VCF-style: chr20-60639516-G-T.
Other names: short protein forms L451M.
Identifiers: ClinVar variation 4086750 (VCV004086750.1).